The following is an entry in ClinVar:

ClinVar aggregate classification (germline): Uncertain significance. Review status: criteria provided, multiple submitters, no conflicts (2 of 4 stars). 2 submissions from 2 submitters: Uncertain significance (2). Last evaluated 2025-11-13.

Allele frequency attached by ClinVar (database versions not stated): gnomAD 0.00001; gnomAD exomes 0.00002 and 0.00005; TOPMed 0.00002; ExAC 0.00003.
gnomAD v4.1: 30 of 1,612,862 alleles (0.0019%); highest among the groups gnomAD compares: East Asian, 0.0022%; no homozygotes.

Submissions (2):

Ambry Genetics
Classification: Uncertain significance. Last evaluated: 2025-11-13. Review status: criteria provided, single submitter. Criteria: Ambry Variant Classification Scheme 2023. Collection method: clinical testing. Allele origin: germline.

Labcorp Genetics (formerly Invitae), Labcorp
Classification: Uncertain significance. Last evaluated: 2025-05-04. Review status: criteria provided, single submitter. Criteria: Invitae Variant Classification Sherloc (09022015). Collection method: clinical testing. Allele origin: germline.
Comment: This sequence change replaces arginine, which is basic and polar, with tryptophan, which is neutral and slightly polar, at codon 563 of the ARHGEF1 protein (p.Arg563Trp). This variant is present in population databases (rs782602658, gnomAD 0.009%). This variant has not been reported in the literature in individuals affected with ARHGEF1-related conditions. ClinVar contains an entry for this variant (Variation ID: 1383144). An algorithm developed to predict the effect of missense changes on protein structure and function (PolyPhen-2) suggests that this variant is likely to be disruptive. In summary, the available evidence is currently insufficient to determine the role of this variant in disease. Therefore, it has been classified as a Variant of Uncertain Significance.

NM_004706.4(ARHGEF1):c.1642C>T (p.Arg548Trp)

Gene: ARHGEF1 (Rho guanine nucleotide exchange factor 1; plus strand). Cytogenetic location: 19q13.2.
Variant type: single nucleotide variant.
Coding change: c.1642C>T on transcript NM_004706.4 (MANE Select); coding-DNA position 1642, C replaced by T.
Protein change: p.Arg548Trp; replaces arginine 548 with tryptophan.
Molecular consequence: missense variant.
Genome position (GRCh38, 1-based): chr19:41,902,802, C>T. VCF-style: chr19-41902802-C-T. GRCh37 (hg19) VCF-style: chr19-42406952-C-T.
Other names: c.1687C>T (NM_199002.1); c.1543C>T, p.Arg515Trp (NM_198977.2); c.1687C>T, p.Arg563Trp (NM_199002.2); short protein forms R548W, R563W, R515W.
Identifiers: ClinVar variation 1383144 (VCV001383144.9), dbSNP rs782602658, ClinGen allele CA9466436.